The following is an entry in ClinVar:

ClinVar aggregate classification (germline): Uncertain significance (1 of 4 stars; one submission).

gnomAD v4.1: 1 of 1,550,910 alleles (0.000064%); highest among the groups gnomAD compares: Admixed American, 0.002%; no homozygotes.

Submission:

GeneDx
Classification: Uncertain significance. Last evaluated: 2025-04-25. Review status: criteria provided, single submitter. Criteria: GeneDx Variant Classification Process June 2021. Collection method: clinical testing. Allele origin: germline. Affected: yes.
Comment: Not observed at significant frequency in large population cohorts (gnomAD); In silico analysis supports that this missense variant has a deleterious effect on protein structure/function; Has not been previously published as pathogenic or benign to our knowledge

NM_001145026.2(PTPRQ):c.3528G>C (p.Lys1176Asn)

Gene: PTPRQ (protein tyrosine phosphatase receptor type Q; plus strand). Cytogenetic location: 12q21.31.
Variant type: single nucleotide variant.
Coding change: c.3528G>C on transcript NM_001145026.2 (MANE Select); coding-DNA position 3528, G replaced by C.
Protein change: p.Lys1176Asn; replaces lysine 1176 with asparagine.
Molecular consequence: missense variant.
Genome position (GRCh38, 1-based): chr12:80,542,171, G>C. VCF-style: chr12-80542171-G-C. GRCh37 (hg19) VCF-style: chr12-80935950-G-C.
Other names: short protein forms K1176N.
Identifiers: ClinVar variation 4527210 (VCV004527210.1).